The following is an entry in ClinVar:

NR_001564.3(XIST):n.8639A>G

Gene: XIST (X inactive specific transcript; minus strand). Cytogenetic location: Xq13.2.
Variant type: single nucleotide variant.
Genome position: GRCh38 VCF-style: chrX-73844076-T-C. GRCh37 (hg19) VCF-style: chrX-73063911-T-C.
Identifiers: ClinVar variation 3056865 (VCV003056865.2), dbSNP rs41307246, ClinGen allele CA10452870.

ClinVar aggregate classification (germline): Benign (0 of 4 stars; one submission).

Conditions:
XIST-related disorder. Also called: XIST-related condition.

Allele frequency attached by ClinVar (database versions not stated): 1000 Genomes Project 30x 0.02934; 1000 Genomes Project 0.02940; gnomAD 0.03842; TOPMed 0.03898; ESP Exome Variant Server 0.04221; ExAC 0.04612; gnomAD exomes 0.05200.
gnomAD v4.1: 27,615 of 556,619 alleles (5%); highest among the groups gnomAD compares: Middle Eastern, 12%; 543 homozygotes.

Submission:

PreventionGenetics, part of Exact Sciences
Classification: Benign for XIST-related condition. Last evaluated: 2019-09-11. Review status: no assertion criteria provided. Collection method: clinical testing. Allele origin: germline.
Comment: This variant is classified as benign based on ACMG/AMP sequence variant interpretation guidelines (Richards et al. 2015 PMID: 25741868, with internal and published modifications).